The following is an entry in ClinVar:

ClinVar aggregate classification (germline): Likely pathogenic. Review status: criteria provided, multiple submitters, no conflicts (2 of 4 stars). 2 submissions from 2 submitters: Likely pathogenic (2). Last evaluated 2023-06-02.

Allele frequency attached by ClinVar (database versions not stated): gnomAD 0.00001.

Submissions (2):

Labcorp Genetics (formerly Invitae), Labcorp
Classification: Likely pathogenic. Last evaluated: 2023-06-02. Review status: criteria provided, single submitter. Criteria: Invitae Variant Classification Sherloc (09022015). Collection method: clinical testing. Allele origin: germline.
Comment: In summary, the currently available evidence indicates that the variant is pathogenic, but additional data are needed to prove that conclusively. Therefore, this variant has been classified as Likely Pathogenic. Algorithms developed to predict the effect of sequence changes on RNA splicing suggest that this variant may disrupt the consensus splice site. ClinVar contains an entry for this variant (Variation ID: 623888). This variant has not been reported in the literature in individuals affected with CARMIL2-related conditions. This variant is not present in population databases (gnomAD no frequency). This sequence change affects a donor splice site in intron 12 of the CARMIL2 gene. It is expected to disrupt RNA splicing. Variants that disrupt the donor or acceptor splice site typically lead to a loss of protein function (PMID: 16199547), and loss-of-function variants in CARMIL2 are known to be pathogenic (PMID: 27647349, 28112205).

CeGaT Center for Human Genetics Tuebingen
Classification: Likely pathogenic. Last evaluated: 2018-09-01. Review status: criteria provided, single submitter. Criteria: CeGaT Center For Human Genetics Tuebingen Variant Classification Criteria Version 2. Collection method: clinical testing. Allele origin: germline. Affected: yes. Observed: 1 variant allele.

Literature cited by the submitters: PubMed 16199547 (cited by Labcorp Genetics (formerly Invitae), Labcorp); PubMed 27647349 (cited by Labcorp Genetics (formerly Invitae), Labcorp); PubMed 28112205 (cited by Labcorp Genetics (formerly Invitae), Labcorp).

NM_001013838.3(CARMIL2):c.958+1G>A

Gene: CARMIL2 (capping protein regulator and myosin 1 linker 2; plus strand). Cytogenetic location: 16q22.1.
Variant type: single nucleotide variant.
Coding change: c.958+1G>A on transcript NM_001013838.3 (MANE Select); the canonical splice donor site of the intron after coding-DNA position 958, G replaced by A.
Molecular consequence: splice donor variant.
Genome position (GRCh38, 1-based): chr16:67,647,767, G>A. VCF-style: chr16-67647767-G-A. GRCh37 (hg19) VCF-style: chr16-67681670-G-A.
Other names: c.958+1G>A (NM_001317026.3).
Identifiers: ClinVar variation 623888 (VCV000623888.48), dbSNP rs1567628294, ClinGen allele CA396333838.